The following is an entry in ClinVar:

NM_025137.4(SPG11):c.3440A>G (p.Tyr1147Cys)

Gene: SPG11 (SPG11 vesicle trafficking associated, spatacsin; minus strand). Cytogenetic location: 15q21.1.
Variant type: single nucleotide variant.
Coding change: c.3440A>G on transcript NM_025137.4 (MANE Select); coding-DNA position 3440, A replaced by G.
Protein change: p.Tyr1147Cys; replaces tyrosine 1147 with cysteine.
Molecular consequence: missense variant.
Genome position (GRCh38, 1-based): chr15:44,608,457, T>C on the plus strand (A>G on the coding strand, the complement: SPG11 is on the minus strand). VCF-style: chr15-44608457-T-C. GRCh37 (hg19) VCF-style: chr15-44900655-T-C.
Other names: c.3440A>G, p.Tyr1147Cys (NM_001160227.2, NM_001411132.1); short protein forms Y1147C.
Identifiers: ClinVar variation 1990079 (VCV001990079.4), dbSNP rs1249474878, ClinGen allele CA392224677.
Genomic context (GRCh38, chr15:44,608,457, plus strand): 5'-TGGCTGAACTCTGATAGACCTAAATATTGGCCACCTAAATACTGTACCTGAATAAGGTGG[T>C]AGATTGTAATATCAGATGGCAGGACACTAGGAGGAGTGCACTGTGGGAAGAGAGCAGTTT-3'
Protein context (NP_079413.3, residues 1137-1157): PSVLPSDITI[Tyr1147Cys]HLIQSLSPFD

ClinVar aggregate classification (germline): Uncertain significance (1 of 4 stars; one submission).

Conditions:
Hereditary spastic paraplegia 11. Also called: SPASTIC PARAPLEGIA, AUTOSOMAL RECESSIVE, COMPLICATED, WITH THIN CORPUS CALLOSUM; SPASTIC PARAPLEGIA, AUTOSOMAL RECESSIVE, WITH MENTAL IMPAIRMENT AND THIN CORPUS CALLOSUM; Spastic Paraplegia 11; Spastic paraplegia, mental retardation and thin corpus callosum; Nakamura Osame syndrome; Autosomal recessive hereditary spastic paraplegia, mental impairment, and thin corpus callosum. Identifiers: Orphanet 2822, MedGen C1858479, MONDO:0011445, OMIM 604360.

Allele frequency attached by ClinVar (database versions not stated): gnomAD exomes below 0.00001.
gnomAD v4.1: 1 of 1,614,108 alleles (0.000062%); highest among the groups gnomAD compares: Non-Finnish European, 0.000085%; no homozygotes.

Submission:

Labcorp Genetics (formerly Invitae), Labcorp
Classification: Uncertain significance for Hereditary spastic paraplegia 11. Last evaluated: 2022-05-21. Review status: criteria provided, single submitter. Criteria: Invitae Variant Classification Sherloc (09022015). Collection method: clinical testing. Allele origin: germline.
Comment: In summary, the available evidence is currently insufficient to determine the role of this variant in disease. Therefore, it has been classified as a Variant of Uncertain Significance. Algorithms developed to predict the effect of missense changes on protein structure and function are either unavailable or do not agree on the potential impact of this missense change (SIFT: "Deleterious"; PolyPhen-2: "Probably Damaging"; Align-GVGD: "Class C15"). This variant has not been reported in the literature in individuals affected with SPG11-related conditions. This variant is present in population databases (no rsID available, gnomAD 0.0009%). This sequence change replaces tyrosine, which is neutral and polar, with cysteine, which is neutral and slightly polar, at codon 1147 of the SPG11 protein (p.Tyr1147Cys).